The following is an entry in ClinVar:

ClinVar aggregate classification (germline): Likely benign (0 of 4 stars; one submission).

Conditions:
FAT2-related disorder. Also called: FAT2-related condition.

Allele frequency attached by ClinVar (database versions not stated): ExAC 0.00002; gnomAD 0.00003; TOPMed 0.00006; gnomAD exomes 0.00007.
gnomAD v4.1: 107 of 1,614,080 alleles (0.0066%); highest among the groups gnomAD compares: Non-Finnish European, 0.0081%; no homozygotes.

Submission:

PreventionGenetics, part of Exact Sciences
Classification: Likely benign for FAT2-related condition. Last evaluated: 2020-01-24. Review status: no assertion criteria provided. Collection method: clinical testing. Allele origin: germline.
Comment: This variant is classified as likely benign based on ACMG/AMP sequence variant interpretation guidelines (Richards et al. 2015 PMID: 25741868, with internal and published modifications).

NM_001447.3(FAT2):c.6975T>C (p.Asn2325=)

Genes: FAT2 (FAT atypical cadherin 2; minus strand), SLC36A1 (solute carrier family 36 member 1; plus strand). Cytogenetic location: 5q33.1.
Variant type: single nucleotide variant.
Coding change: c.6975T>C on transcript NM_001447.3 (MANE Select); coding-DNA position 6975, T replaced by C.
Protein change: p.Asn2325=; no amino-acid change (asparagine 2325 retained).
Molecular consequence: synonymous variant.
Genome position (GRCh38, 1-based): chr5:151,544,152, A>G on the plus strand (T>C on the coding strand, the complement: FAT2 is on the minus strand). VCF-style: chr5-151544152-A-G. GRCh37 (hg19) VCF-style: chr5-150923713-A-G.
Identifiers: ClinVar variation 3051884 (VCV003051884.2), dbSNP rs748961686, ClinGen allele CA3521032.